The following is an entry in ClinVar:

NM_053025.4(MYLK):c.1981A>G (p.Asn661Asp)

Gene: MYLK (myosin light chain kinase; minus strand). Cytogenetic location: 3q21.1.
Variant type: single nucleotide variant.
Coding change: c.1981A>G on transcript NM_053025.4 (MANE Select); coding-DNA position 1981, A replaced by G.
Protein change: p.Asn661Asp; replaces asparagine 661 with aspartic acid.
Molecular consequence: missense variant.
Genome position (GRCh38, 1-based): chr3:123,708,857, T>C on the plus strand (A>G on the coding strand, the complement: MYLK is on the minus strand). VCF-style: chr3-123708857-T-C. GRCh37 (hg19) VCF-style: chr3-123427704-T-C.
Other names: c.1453A>G, p.Asn485Asp (NM_001321309.2); c.1774A>G, p.Asn592Asp (NM_053026.4, NM_053028.4); c.1981A>G, p.Asn661Asp (NM_053027.4); short protein forms N485D, N661D, N592D.
Identifiers: ClinVar variation 2961605 (VCV002961605.3), dbSNP rs2474305742, ClinGen allele CA354234538.

ClinVar aggregate classification (germline): Uncertain significance (1 of 4 stars; one submission).

Conditions:
Aortic aneurysm, familial thoracic 7 (AAT7). Also called: AORTIC DISSECTION, FAMILIAL, WITH OR WITHOUT AORTIC ANEURYSM. Identifiers: MedGen C3151077, MONDO:0013418, OMIM 613780.

Submission:

Labcorp Genetics (formerly Invitae), Labcorp
Classification: Uncertain significance for Aortic aneurysm, familial thoracic 7. Last evaluated: 2023-08-07. Review status: criteria provided, single submitter. Criteria: Invitae Variant Classification Sherloc (09022015). Collection method: clinical testing. Allele origin: germline.
Comment: In summary, the available evidence is currently insufficient to determine the role of this variant in disease. Therefore, it has been classified as a Variant of Uncertain Significance. Advanced modeling of protein sequence and biophysical properties (such as structural, functional, and spatial information, amino acid conservation, physicochemical variation, residue mobility, and thermodynamic stability) performed at Invitae indicates that this missense variant is not expected to disrupt MYLK protein function. This sequence change replaces asparagine, which is neutral and polar, with aspartic acid, which is acidic and polar, at codon 661 of the MYLK protein (p.Asn661Asp). This variant is not present in population databases (gnomAD no frequency). This variant has not been reported in the literature in individuals affected with MYLK-related conditions.